The following is an entry in ClinVar:

NM_003597.5(KLF11):c.680A>C (p.Asn227Thr)

Gene: KLF11 (KLF transcription factor 11; plus strand). Cytogenetic location: 2p25.1.
Variant type: single nucleotide variant.
Coding change: c.680A>C on transcript NM_003597.5 (MANE Select); coding-DNA position 680, A replaced by C.
Protein change: p.Asn227Thr; replaces asparagine 227 with threonine.
Molecular consequence: missense variant.
Genome position (GRCh38, 1-based): chr2:10,048,017, A>C. VCF-style: chr2-10048017-A-C. GRCh37 (hg19) VCF-style: chr2-10188144-A-C.
Other names: c.629A>C, p.Asn210Thr (NM_001177716.2, NM_001177718.2); short protein forms N210T, N227T.
Identifiers: ClinVar variation 4851353 (VCV004851353.1).

ClinVar aggregate classification (germline): Likely benign (1 of 4 stars; one submission).

Conditions:
Maturity-onset diabetes of the young type 7 (MODY7). Identifiers: Orphanet 552, MedGen C1864839, MONDO:0012513, OMIM 610508.

Submission:

Centre for Medical Genetics,  Mumbai
Classification: Likely benign for Maturity-onset diabetes of the young type 7. Last evaluated: 2026-04-11. Review status: criteria provided, single submitter. Criteria: ACMG Guidelines, 2015. Collection method: provider interpretation. Allele origin: germline. Inheritance: Autosomal dominant inheritance. Affected: no. Observed: 1 variant allele, 1 heterozygote.
Comment: The variant satisfies PM2 criteria - extremely low frequency in gnomAD population databases. The variant satisfies BP4 criteria - for a missense or a splice region variant, computational prediction tools unanimously support a benign effect on the gene. However, the variant satisfies BS2 criteria - present in heterozygous state in an individual that clinically does not have maturity-onset diabetes of the young.

Literature cited by the submitters: PubMed 15774581.